The following is an entry in ClinVar:

ClinVar aggregate classification (germline): Uncertain significance (1 of 4 stars; one submission).

Allele frequency attached by ClinVar (database versions not stated): gnomAD exomes 0.00001; TOPMed 0.00005; ExAC 0.00006; gnomAD 0.00006; ESP Exome Variant Server 0.00015.
gnomAD v4.1: 30 of 1,614,004 alleles (0.0019%); highest among the groups gnomAD compares: African/African-American, 0.013%; no homozygotes.

Submission:

Center for Genomics, Ann and Robert H. Lurie Children's Hospital of Chicago
Classification: Uncertain significance. Last evaluated: 2022-10-11. Review status: criteria provided, single submitter. Criteria: ACMG Guidelines, 2015. Collection method: clinical testing. Allele origin: germline.
Comment: This variant has not been reported in the literature but is present in the Genome Aggregation Database (Highest reported MAF: 0.01% [2/15260]). Of note, this is a silent variant and does not change the amino acid, and occurs at a poorly conserved nucleotide position, reducing the probability that this variant is disease-causing. Splice prediction tools suggest that this variant may impact splicing. However, further studies are needed to understand its impact. In summary, data on this variant is insufficient for disease classification. Therefore, the clinical significance of this variant is uncertain.

NM_000157.4(GBA1):c.687G>A (p.Ala229=)

Genes: GBA1 (glucosylceramidase beta 1; minus strand), LOC106627981 (GBA recombination region; plus strand). Cytogenetic location: 1q22.
Variant type: single nucleotide variant.
Coding change: c.687G>A on transcript NM_000157.4 (MANE Select); coding-DNA position 687, G replaced by A.
Protein change: p.Ala229=; no amino-acid change (alanine 229 retained).
Molecular consequence: synonymous variant.
Genome position (GRCh38, 1-based): chr1:155,238,208, C>T on the plus strand (G>A on the coding strand, the complement: GBA1 is on the minus strand). VCF-style: chr1-155238208-C-T. GRCh37 (hg19) VCF-style: chr1-155207999-C-T.
Other names: c.687G>A, p.Ala229= (NM_001005741.3, NM_001005742.3); c.426G>A, p.Ala142= (NM_001171811.2); c.540G>A, p.Ala180= (NM_001171812.2).
Identifiers: ClinVar variation 2501768 (VCV002501768.1), dbSNP rs75370695, ClinGen allele CA1141705.